The following is an entry in ClinVar:

NM_153365.3(TAPT1):c.165C>G (p.Ser55Arg)

Genes: TAPT1 (transmembrane anterior posterior transformation 1; minus strand), LOC129992296 (ATAC-STARR-seq lymphoblastoid silent region 15304; plus strand). Cytogenetic location: 4p15.32.
Variant type: single nucleotide variant.
Coding change: c.165C>G on transcript NM_153365.3 (MANE Select); coding-DNA position 165, C replaced by G.
Protein change: p.Ser55Arg; replaces serine 55 with arginine.
Molecular consequence: missense variant.
Genome position (GRCh38, 1-based): chr4:16,226,293, G>C on the plus strand (C>G on the coding strand, the complement: TAPT1 is on the minus strand). VCF-style: chr4-16226293-G-C. GRCh37 (hg19) VCF-style: chr4-16227916-G-C.
Other names: c.165C>G (NM_153365.2); short protein forms S55R.
Identifiers: ClinVar variation 1479716 (VCV001479716.7), dbSNP rs766333220, ClinGen allele CA2867577.

ClinVar aggregate classification (germline): Uncertain significance. Review status: criteria provided, multiple submitters, no conflicts (2 of 4 stars). 2 submissions from 2 submitters: Uncertain significance (2). Last evaluated 2026-04-01.

Allele frequency attached by ClinVar (database versions not stated): gnomAD exomes 0.00005; TOPMed 0.00015.
gnomAD v4.1: 65 of 1,128,392 alleles (0.0058%); highest among the groups gnomAD compares: East Asian, 0.2%; no homozygotes.

Submissions (2):

GeneDx
Classification: Uncertain significance. Last evaluated: 2026-04-01. Review status: criteria provided, single submitter. Criteria: GeneDx Variant Classification Process June 2021. Collection method: clinical testing. Allele origin: germline.
Comment: In silico analysis suggests that this missense variant does not alter protein structure/function; Has not been previously published as pathogenic or benign to our knowledge

Labcorp Genetics (formerly Invitae), Labcorp
Classification: Uncertain significance. Last evaluated: 2023-08-10. Review status: criteria provided, single submitter. Criteria: Invitae Variant Classification Sherloc (09022015). Collection method: clinical testing. Allele origin: germline.
Comment: This sequence change replaces serine, which is neutral and polar, with arginine, which is basic and polar, at codon 55 of the TAPT1 protein (p.Ser55Arg). This variant is present in population databases (rs766333220, gnomAD 0.2%). This variant has not been reported in the literature in individuals affected with TAPT1-related conditions. ClinVar contains an entry for this variant (Variation ID: 1479716). An algorithm developed to predict the effect of missense changes on protein structure and function (PolyPhen-2) suggests that this variant¬†is likely to be tolerated. In summary, the available evidence is currently insufficient to determine the role of this variant in disease. Therefore, it has been classified as a Variant of Uncertain Significance.